The following is an entry in ClinVar:

NM_002775.5(HTRA1):c.805C>T (p.Arg269Cys)

Gene: HTRA1 (HtrA serine peptidase 1; plus strand). Cytogenetic location: 10q26.13.
Variant type: single nucleotide variant.
Coding change: c.805C>T on transcript NM_002775.5 (MANE Select); coding-DNA position 805, C replaced by T.
Protein change: p.Arg269Cys; replaces arginine 269 with cysteine.
Molecular consequence: missense variant.
Genome position (GRCh38, 1-based): chr10:122,506,718, C>T. VCF-style: chr10-122506718-C-T. GRCh37 (hg19) VCF-style: chr10-124266234-C-T.
Other names: short protein forms R269C.
Identifiers: ClinVar variation 3608487 (VCV003608487.2).

ClinVar aggregate classification (germline): Uncertain significance (1 of 4 stars; one submission).

gnomAD v4.1: 30 of 1,613,266 alleles (0.0019%); highest among the groups gnomAD compares: South Asian, 0.022%; no homozygotes.

Submission:

Labcorp Genetics (formerly Invitae), Labcorp
Classification: Uncertain significance. Last evaluated: 2024-10-17. Review status: criteria provided, single submitter. Criteria: Invitae Variant Classification Sherloc (09022015). Collection method: clinical testing. Allele origin: germline.
Comment: This sequence change replaces arginine, which is basic and polar, with cysteine, which is neutral and slightly polar, at codon 269 of the HTRA1 protein (p.Arg269Cys). This variant is present in population databases (rs757392715, gnomAD 0.02%). This variant has not been reported in the literature in individuals affected with HTRA1-related conditions. Invitae Evidence Modeling of protein sequence and biophysical properties (such as structural, functional, and spatial information, amino acid conservation, physicochemical variation, residue mobility, and thermodynamic stability) has been performed for this missense variant. However, the output from this modeling did not meet the statistical confidence thresholds required to predict the impact of this variant on HTRA1 protein function. In summary, the available evidence is currently insufficient to determine the role of this variant in disease. Therefore, it has been classified as a Variant of Uncertain Significance.